The following is an entry in ClinVar:

NM_001365902.3(NFIX):c.623G>A (p.Gly208Glu)

Gene: NFIX (nuclear factor I X; plus strand). Cytogenetic location: 19p13.13.
Variant type: single nucleotide variant.
Coding change: c.623G>A on transcript NM_001365902.3 (MANE Select); coding-DNA position 623, G replaced by A.
Protein change: p.Gly208Glu; replaces glycine 208 with glutamic acid.
Molecular consequence: missense variant.
Genome position (GRCh38, 1-based): chr19:13,073,422, G>A. VCF-style: chr19-13073422-G-A. GRCh37 (hg19) VCF-style: chr19-13184236-G-A.
Other names: c.647G>A, p.Gly216Glu (NM_001271043.2); c.599G>A, p.Gly200Glu (NM_001271044.3, NM_001378404.1); c.623G>A, p.Gly208Glu (NM_001365982.2, NM_002501.4); c.482G>A, p.Gly161Glu (NM_001365983.2); c.620G>A, p.Gly207Glu (NM_001365984.2, NM_001365985.2); c.623G>A (NM_002501.2); c.671G>A, p.Gly224Glu (NM_001378405.1); short protein forms G161E, G200E, G207E, G224E, G208E, G216E.
Identifiers: ClinVar variation 2937494 (VCV002937494.5), dbSNP rs2016886281, ClinGen allele CA404293974.

ClinVar aggregate classification (germline): Conflicting classifications of pathogenicity. Review status: criteria provided, conflicting classifications (1 of 4 stars). 3 submissions from 3 submitters: Uncertain significance (2); Likely benign (1). Last evaluated 2025-10-09.

Conditions:
Inborn genetic diseases. Identifiers: MedGen C0950123, MeSH D030342.
Malan overgrowth syndrome (MALNS). Also called: MALAN SYNDROME; NFIX-Related Malan Syndrome; Sotos syndrome 2. Identifiers: Orphanet 420179, MedGen C3553660, MONDO:0013885, OMIM 614753.
Marshall-Smith syndrome (MRSHSS). Identifiers: Orphanet 561, MedGen C0265211, MONDO:0011244, OMIM 602535.

Allele frequency attached by ClinVar (database versions not stated): TOPMed below 0.00001.

Submissions (3):

Women's Health and Genetics/Laboratory Corporation of America, LabCorp
Classification: Uncertain significance. Last evaluated: 2025-10-09. Review status: criteria provided, single submitter. Criteria: LabCorp Variant Classification Summary - May 2015. Collection method: clinical testing. Allele origin: germline.
Comment: Variant summary: NFIX c.623G>A (p.Gly208Glu) results in a non-conservative amino acid change in the encoded protein sequence. Algorithms developed to predict the effect of missense changes on protein structure and function are either unavailable or do not agree on the potential impact of this missense change. Consensus agreement among computation tools predict no significant impact on normal splicing. However, these predictions have yet to be confirmed by functional studies. The variant was absent in 249260 control chromosomes. The available data on variant occurrences in the general population are insufficient to allow any conclusion about variant significance. To our knowledge, no occurrence of c.623G>A in individuals affected with NFIX-related conditions and no experimental evidence demonstrating its impact on protein function have been reported. ClinVar contains an entry for this variant (Variation ID: 2937494). Based on the evidence outlined above, the variant was classified as uncertain significance.

Labcorp Genetics (formerly Invitae), Labcorp
Classification: Likely benign for Malan overgrowth syndrome; Marshall-Smith syndrome. Last evaluated: 2025-03-18. Review status: criteria provided, single submitter. Criteria: Invitae Variant Classification Sherloc (09022015). Collection method: clinical testing. Allele origin: germline.

Ambry Genetics
Classification: Uncertain significance for Inborn genetic diseases. Last evaluated: 2024-01-09. Review status: criteria provided, single submitter. Criteria: Ambry Variant Classification Scheme 2023. Collection method: clinical testing. Allele origin: germline.